The following is an entry in ClinVar:

ClinVar aggregate classification (germline): Uncertain significance (1 of 4 stars; one submission).

Conditions:
POLD1-related polyposis and colorectal cancer syndrome (CRCS10). Also called: Colorectal cancer, susceptibility to, 10; Colorectal cancer 10; COLORECTAL CANCER, SUSCEPTIBILITY TO, ON CHROMOSOME 19q. Identifiers: Orphanet 220460, MedGen C2675481, MONDO:0012953, OMIM 612591.

Submission:

Labcorp Genetics (formerly Invitae), Labcorp
Classification: Uncertain significance for POLD1-related polyposis and colorectal cancer syndrome. Last evaluated: 2023-07-28. Review status: criteria provided, single submitter. Criteria: Invitae Variant Classification Sherloc (09022015). Collection method: clinical testing. Allele origin: germline.
Comment: This variant, c.2968_2988dup, results in the insertion of 7 amino acid(s) of the POLD1 protein (p.Arg990_Thr996dup), but otherwise preserves the integrity of the reading frame. This variant is not present in population databases (gnomAD no frequency). This variant has not been reported in the literature in individuals affected with POLD1-related conditions. ClinVar contains an entry for this variant (Variation ID: 1419499). Experimental studies and prediction algorithms are not available or were not evaluated, and the functional significance of this variant is currently unknown. In summary, the available evidence is currently insufficient to determine the role of this variant in disease. Therefore, it has been classified as a Variant of Uncertain Significance.

NM_002691.4(POLD1):c.2968_2988dup (p.Arg990_Thr996dup)

Gene: POLD1 (DNA polymerase delta 1, catalytic subunit; plus strand). Cytogenetic location: 19q13.33.
Variant type: Duplication.
Coding change: c.2968_2988dup on transcript NM_002691.4 (MANE Select); coding-DNA positions 2968 to 2988, 21 bases duplicated (CGCTGCAAGACGGTGCTCACG).
Protein change: p.Arg990_Thr996dup.
Molecular consequence: inframe insertion. On other transcripts: non-coding transcript variant (1).
Genome position (GRCh38, 1-based): chr19:50,416,624-50,416,644, CGCTGCAAGACGGTGCTCACG duplicated; duplicating any 21 consecutive bases within chr19:50,416,620-50,416,644 gives the same sequence; the c. name uses the placement nearest the transcript's 3' end. VCF-style (leftmost placement, unchanged base first): chr19-50416619-A-ACACGCGCTGCAAGACGGTGCT. GRCh37 (hg19) VCF-style: chr19-50919876-A-ACACGCGCTGCAAGACGGTGCT.
Other names: c.2968_2988dup, p.Arg990_Thr996dup (NM_001256849.1); c.3046_3066dup, p.Arg1016_Thr1022dup (NM_001308632.1).
Identifiers: ClinVar variation 1419499 (VCV001419499.8), dbSNP rs2122495556, ClinGen allele CA2573156761.
Genomic context (GRCh38, chr19:50,416,619, plus strand): 5'-CTGGGGGGGCAGAGGAGATCACCGGCCCACCACCTGCCTCCTCTCCTGCAGGGGGGGACC[A>ACACGCGCTGCAAGACGGTGCT]CACGCGCTGCAAGACGGTGCTCACGGGCAAGGTGGGCGGCCTCCTGGCCTTCGCCAAACG-3'